The following is an entry in ClinVar:

NM_198578.4(LRRK2):c.2981T>G (p.Leu994Arg)

Gene: LRRK2 (leucine rich repeat kinase 2; plus strand). Cytogenetic location: 12q12.
Variant type: single nucleotide variant.
Coding change: c.2981T>G on transcript NM_198578.4 (MANE Select); coding-DNA position 2981, T replaced by G.
Protein change: p.Leu994Arg; replaces leucine 994 with arginine.
Molecular consequence: missense variant.
Genome position (GRCh38, 1-based): chr12:40,295,529, T>G. VCF-style: chr12-40295529-T-G. GRCh37 (hg19) VCF-style: chr12-40689331-T-G.
Other names: short protein forms L994R.
Identifiers: ClinVar variation 3229582 (VCV003229582.1), dbSNP rs2499728723, ClinGen allele CA384412721.

ClinVar aggregate classification (germline): Uncertain significance (1 of 4 stars; one submission).

Conditions:
Inborn genetic diseases. Identifiers: MedGen C0950123, MeSH D030342.

Submission:

Ambry Genetics
Classification: Uncertain significance for Inborn genetic diseases. Last evaluated: 2024-01-07. Review status: criteria provided, single submitter. Criteria: Ambry Variant Classification Scheme 2023. Collection method: clinical testing. Allele origin: germline.
Comment: The p.L994R variant (also known as c.2981T>G), located in coding exon 23 of the LRRK2 gene, results from a T to G substitution at nucleotide position 2981. The leucine at codon 994 is replaced by arginine, an amino acid with dissimilar properties. This amino acid position is conserved. In addition, this alteration is predicted to be deleterious by in silico analysis. Since supporting evidence is limited at this time, the clinical significance of this alteration remains unclear.